The following is an entry in ClinVar:

NM_130466.4(UBE3B):c.2925C>T (p.Phe975=)

Gene: UBE3B (ubiquitin protein ligase E3B; plus strand). Cytogenetic location: 12q24.11.
Variant type: single nucleotide variant.
Coding change: c.2925C>T on transcript NM_130466.4 (MANE Select); coding-DNA position 2925, C replaced by T.
Protein change: p.Phe975=; no amino-acid change (phenylalanine 975 retained).
Molecular consequence: synonymous variant.
Genome position (GRCh38, 1-based): chr12:109,533,468, C>T. VCF-style: chr12-109533468-C-T. GRCh37 (hg19) VCF-style: chr12-109971273-C-T.
Other names: c.2925C>T, p.Phe975= (NM_183415.3).
Identifiers: ClinVar variation 2643277 (VCV002643277.24), dbSNP rs1390608713, ClinGen allele CA481866149.
Genomic context (GRCh38, chr12:109,533,468, plus strand): 5'-CCCGTCCTGGAAGAGCAGGAGCCTGCCCCGTCCCCACTGACCCTGCTTTGTGTTGCAGTT[C>T]GTGACCAGCTGCTCCAGACCCCCGCTCCTGGGATTCGCCTACCTCAAGCCTCCATTCTCC-3'
Protein context (NP_569733.2, residues 965-985): TPDERAMFLK[Phe975=]VTSCSRPPLL

ClinVar aggregate classification (germline): Likely benign (1 of 4 stars; one submission).

Allele frequency attached by ClinVar (database versions not stated): TOPMed 0.00001.
gnomAD v4.1: 4 of 1,614,068 alleles (0.00025%); highest among the groups gnomAD compares: Non-Finnish European, 0.00025%; no homozygotes.

Submission:

CeGaT Center for Human Genetics Tuebingen
Classification: Likely benign. Last evaluated: 2022-10-01. Review status: criteria provided, single submitter. Criteria: CeGaT Center For Human Genetics Tuebingen Variant Classification Criteria Version 2. Collection method: clinical testing. Allele origin: germline. Affected: yes. Observed: 1 variant allele.
Comment: UBE3B: PM2:Supporting, BP4, BP7